The following is an entry in ClinVar:

NM_152296.5(ATP1A3):c.2592A>T (p.Ala864=)

Gene: ATP1A3 (ATPase Na+/K+ transporting subunit alpha 3; minus strand). Cytogenetic location: 19q13.2.
Variant type: single nucleotide variant.
Coding change: c.2592A>T on transcript NM_152296.5 (MANE Select); coding-DNA position 2592, A replaced by T.
Protein change: p.Ala864=; no amino-acid change (alanine 864 retained).
Molecular consequence: synonymous variant.
Genome position (GRCh38, 1-based): chr19:41,969,531, T>A on the plus strand (A>T on the coding strand, the complement: ATP1A3 is on the minus strand). VCF-style: chr19-41969531-T-A. GRCh37 (hg19) VCF-style: chr19-42473683-T-A.
Other names: c.2592A>T (NM_152296.4); c.2625A>T, p.Ala875= (NM_001256213.2); c.2631A>T, p.Ala877= (NM_001256214.2).
Identifiers: ClinVar variation 1150431 (VCV001150431.10), dbSNP rs879984755, ClinGen allele CA507582846.

ClinVar aggregate classification (germline): Conflicting classifications of pathogenicity. Review status: criteria provided, conflicting classifications (1 of 4 stars). 2 submissions from 2 submitters: Uncertain significance (1); Likely benign (1). Last evaluated 2024-07-23.

Conditions:
Dystonia 12 (DYT12). Also called: DYT-ATP1A3; Rapid-Onset Dystonia-Parkinsonism (RDP). Identifiers: Orphanet 71517, MedGen C1868681, MONDO:0007496, OMIM 128235.

Allele frequency attached by ClinVar (database versions not stated): gnomAD exomes 0.00001; TOPMed 0.00001; gnomAD 0.00002.
gnomAD v4.1: 7 of 1,613,956 alleles (0.00043%); highest among the groups gnomAD compares: Non-Finnish European, 0.00059%; no homozygotes.

Submissions (2):

GeneDx
Classification: Uncertain significance. Last evaluated: 2024-07-23. Review status: criteria provided, single submitter. Criteria: GeneDx Variant Classification Process June 2021. Collection method: clinical testing. Allele origin: germline. Affected: yes.
Comment: Has not been previously published as pathogenic or benign to our knowledge; In silico analysis is inconclusive as to whether the variant alters gene splicing. In the absence of RNA/functional studies, the actual effect of this sequence change is unknown.

Labcorp Genetics (formerly Invitae), Labcorp
Classification: Likely benign for Dystonia 12. Last evaluated: 2022-11-10. Review status: criteria provided, single submitter. Criteria: Invitae Variant Classification Sherloc (09022015). Collection method: clinical testing. Allele origin: germline.